The following is an entry in ClinVar:

ClinVar aggregate classification (germline): Likely benign. Review status: criteria provided, multiple submitters, no conflicts (2 of 4 stars). 3 submissions from 3 submitters: Likely benign (3). Last evaluated 2026-08-01.

Conditions:
Inborn genetic diseases. Identifiers: MedGen C0950123, MeSH D030342.
Congenital prothrombin deficiency. Also called: Factor II deficiency; Hereditary factor II deficiency disease; HYPOPROTHROMBINEMIA; Inherited hypoprothrombinemia; Congenital factor II deficiency; Inherited prothrombin deficiency. Identifiers: Orphanet 325, MedGen C0272317, MONDO:0013361, OMIM 613679.

Allele frequency attached by ClinVar (database versions not stated): gnomAD 0.00005; gnomAD exomes 0.00005; TOPMed 0.00006; ExAC 0.00008.
gnomAD v4.1: 40 of 1,613,794 alleles (0.0025%); highest among the groups gnomAD compares: Admixed American, 0.067%; no homozygotes.

Submissions (3):

CeGaT Center for Human Genetics Tuebingen
Classification: Likely benign. Last evaluated: 2026-08-01. Review status: criteria provided, single submitter. Criteria: CeGaT Center For Human Genetics Tuebingen Variant Classification Criteria Version 2. Collection method: clinical testing. Allele origin: germline. Affected: yes. Observed: 1 variant allele.
Comment: F2: BP4, BP7

Labcorp Genetics (formerly Invitae), Labcorp
Classification: Likely benign for Congenital prothrombin deficiency. Last evaluated: 2025-12-14. Review status: criteria provided, single submitter. Criteria: Invitae Variant Classification Sherloc (09022015). Collection method: clinical testing. Allele origin: germline.

Ambry Genetics
Classification: Likely benign for Inborn genetic diseases. Last evaluated: 2021-08-26. Review status: criteria provided, single submitter. Criteria: Ambry Variant Classification Scheme 2023. Collection method: clinical testing. Allele origin: germline.

NM_000506.5(F2):c.534G>A (p.Arg178=)

Gene: F2 (coagulation factor II, thrombin; plus strand). Cytogenetic location: 11p11.2.
Variant type: single nucleotide variant.
Coding change: c.534G>A on transcript NM_000506.5 (MANE Select); coding-DNA position 534, G replaced by A.
Protein change: p.Arg178=; no amino-acid change (arginine 178 retained).
Molecular consequence: synonymous variant.
Genome position (GRCh38, 1-based): chr11:46,723,493, G>A. VCF-style: chr11-46723493-G-A. GRCh37 (hg19) VCF-style: chr11-46745043-G-A.
Identifiers: ClinVar variation 1746997 (VCV001746997.6), dbSNP rs760307675, ClinGen allele CA5966971.